The following is an entry in ClinVar:

ClinVar aggregate classification (germline): Uncertain significance (1 of 4 stars; one submission).

Submission:

Labcorp Genetics (formerly Invitae), Labcorp
Classification: Uncertain significance. Last evaluated: 2024-02-23. Review status: criteria provided, single submitter. Criteria: Invitae Variant Classification Sherloc (09022015). Collection method: clinical testing. Allele origin: germline.
Comment: This sequence change replaces phenylalanine, which is neutral and non-polar, with leucine, which is neutral and non-polar, at codon 81 of the PHEX protein (p.Phe81Leu). This variant is not present in population databases (gnomAD no frequency). This missense change has been observed in individuals with hypophosphatemic rickets (Invitae). ClinVar contains an entry for this variant (Variation ID: 964325). Advanced modeling of protein sequence and biophysical properties (such as structural, functional, and spatial information, amino acid conservation, physicochemical variation, residue mobility, and thermodynamic stability) has been performed at Invitae for this missense variant, however the output from this modeling did not meet the statistical confidence thresholds required to predict the impact of this variant on PHEX protein function. In summary, the available evidence is currently insufficient to determine the role of this variant in disease. Therefore, it has been classified as a Variant of Uncertain Significance.

NM_000444.6(PHEX):c.241T>C (p.Phe81Leu)

Gene: PHEX (phosphate regulating endopeptidase X-linked; plus strand). Cytogenetic location: Xp22.11.
Variant type: single nucleotide variant.
Coding change: c.241T>C on transcript NM_000444.6 (MANE Select); coding-DNA position 241, T replaced by C.
Protein change: p.Phe81Leu; replaces phenylalanine 81 with leucine.
Molecular consequence: missense variant.
Genome position (GRCh38, 1-based): chrX:22,047,103, T>C. VCF-style: chrX-22047103-T-C. GRCh37 (hg19) VCF-style: chrX-22065221-T-C.
Other names: c.241T>C, p.Phe81Leu (NM_001282754.2); short protein forms F81L.
Identifiers: ClinVar variation 964325 (VCV000964325.9), dbSNP rs1927572565, ClinGen allele CA412567606.